The following is an entry in ClinVar:

NM_001379081.2(FREM1):c.2647C>T (p.Pro883Ser)

Genes: FREM1 (FRAS1 related extracellular matrix 1; minus strand), LOC126860582 (P300/CBP strongly-dependent group 1 enhancer GRCh37_chr9:14812530-14813729; plus strand). Cytogenetic location: 9p22.3.
Variant type: single nucleotide variant.
Coding change: c.2647C>T on transcript NM_001379081.2 (MANE Select); coding-DNA position 2647, C replaced by T.
Protein change: p.Pro883Ser; replaces proline 883 with serine.
Molecular consequence: missense variant. On other transcripts: non-coding transcript variant (2).
Genome position (GRCh38, 1-based): chr9:14,813,058, G>A on the plus strand (C>T on the coding strand, the complement: FREM1 is on the minus strand). VCF-style: chr9-14813058-G-A. GRCh37 (hg19) VCF-style: chr9-14813056-G-A.
Other names: c.2647C>T, p.Pro883Ser (NM_144966.7); short protein forms P883S.
Identifiers: ClinVar variation 1311510 (VCV001311510.2), dbSNP rs771992074, ClinGen allele CA372953902.

ClinVar aggregate classification (germline): Uncertain significance (1 of 4 stars; one submission).

gnomAD v4.1: 1 of 1,604,982 alleles (0.000062%); no homozygotes.

Submission:

GeneDx
Classification: Uncertain significance. Last evaluated: 2020-01-13. Review status: criteria provided, single submitter. Criteria: GeneDx Variant Classification Process June 2021. Collection method: clinical testing. Allele origin: germline. Affected: yes.
Comment: Not observed in large population cohorts (Lek et al., 2016); In silico analysis, which includes protein predictors and evolutionary conservation, supports a deleterious effect; Has not been previously published as pathogenic or benign to our knowledge